The following is an entry in ClinVar:

NM_001365276.2(TNXB):c.10196T>C (p.Val3399Ala)

Gene: TNXB (tenascin XB; minus strand). Cytogenetic location: 6p21.33.
Variant type: single nucleotide variant.
Coding change: c.10196T>C on transcript NM_001365276.2 (MANE Select); coding-DNA position 10196, T replaced by C.
Protein change: p.Val3399Ala; replaces valine 3399 with alanine.
Molecular consequence: missense variant.
Genome position (GRCh38, 1-based): chr6:32,047,862, A>G on the plus strand (T>C on the coding strand, the complement: TNXB is on the minus strand). VCF-style: chr6-32047862-A-G. GRCh37 (hg19) VCF-style: chr6-32015639-A-G.
Other names: c.10190T>C, p.Val3397Ala (NM_019105.8); short protein forms V3399A, V3397A.
Identifiers: ClinVar variation 2586123 (VCV002586123.3), dbSNP rs2483408805, ClinGen allele CA363531587.

ClinVar aggregate classification (germline): Uncertain significance (1 of 4 stars; one submission).

Conditions:
Cardiovascular phenotype. Identifiers: MedGen CN230736.

Allele frequency attached by ClinVar (database versions not stated): gnomAD exomes below 0.00001.
gnomAD v4.1: 5 of 1,612,200 alleles (0.00031%); highest among the groups gnomAD compares: Non-Finnish European, 0.00042%; no homozygotes.

Submission:

Ambry Genetics
Classification: Uncertain significance for Cardiovascular phenotype. Last evaluated: 2025-12-01. Review status: criteria provided, single submitter. Criteria: Ambry Variant Classification Scheme 2023. Collection method: clinical testing. Allele origin: germline.
Comment: The p.V3397A variant (also known as c.10190T>C), located in coding exon 29 of the TNXB gene, results from a T to C substitution at nucleotide position 10190. The valine at codon 3397 is replaced by alanine, an amino acid with similar properties. This amino acid position is conserved. In addition, this alteration is predicted to be tolerated by in silico analysis. Since supporting evidence is limited at this time, the clinical significance of this alteration remains unclear.